The following is an entry in ClinVar:

NM_000629.3(IFNAR1):c.169G>A (p.Gly57Arg)

Gene: IFNAR1 (interferon alpha and beta receptor subunit 1; plus strand). Cytogenetic location: 21q22.11.
Variant type: single nucleotide variant.
Coding change: c.169G>A on transcript NM_000629.3 (MANE Select); coding-DNA position 169, G replaced by A.
Protein change: p.Gly57Arg; replaces glycine 57 with arginine.
Molecular consequence: missense variant. On other transcripts: 5 prime UTR variant (3).
Genome position (GRCh38, 1-based): chr21:33,335,616, G>A. VCF-style: chr21-33335616-G-A. GRCh37 (hg19) VCF-style: chr21-34707922-G-A.
Other names: c.169G>A, p.Gly57Arg (NM_001384498.1, NM_001384499.1, NM_001384501.1 and 1 more transcripts); c.-618G>A (NM_001384500.1); c.-215G>A (NM_001384502.1); c.-39G>A (NM_001384504.1); short protein forms G57R.
Identifiers: ClinVar variation 1431648 (VCV001431648.3), dbSNP rs201532160, ClinGen allele CA10006404.

ClinVar aggregate classification (germline): Uncertain significance (1 of 4 stars; one submission).

Allele frequency attached by ClinVar (database versions not stated): ExAC 0.00002; gnomAD exomes 0.00002 and 0.00004; gnomAD 0.00006 and 0.00007; TOPMed 0.00006; ESP Exome Variant Server 0.00008.
gnomAD v4.1: 68 of 1,595,312 alleles (0.0043%); highest among the groups gnomAD compares: Middle Eastern, 0.017%; no homozygotes.

Submission:

Labcorp Genetics (formerly Invitae), Labcorp
Classification: Uncertain significance. Last evaluated: 2022-08-09. Review status: criteria provided, single submitter. Criteria: Invitae Variant Classification Sherloc (09022015). Collection method: clinical testing. Allele origin: germline.
Comment: This sequence change replaces glycine, which is neutral and non-polar, with arginine, which is basic and polar, at codon 57 of the IFNAR1 protein (p.Gly57Arg). This variant is present in population databases (rs201532160, gnomAD 0.03%). This variant has not been reported in the literature in individuals affected with IFNAR1-related conditions. ClinVar contains an entry for this variant (Variation ID: 1431648). Algorithms developed to predict the effect of missense changes on protein structure and function output the following: SIFT: "Tolerated"; PolyPhen-2: "Benign"; Align-GVGD: "Class C0". The arginine amino acid residue is found in multiple mammalian species, which suggests that this missense change does not adversely affect protein function. In summary, the available evidence is currently insufficient to determine the role of this variant in disease. Therefore, it has been classified as a Variant of Uncertain Significance.